The following is an entry in ClinVar:

NM_005026.5(PIK3CD):c.2864+6_2864+7del

Gene: PIK3CD (phosphatidylinositol-4,5-bisphosphate 3-kinase catalytic subunit delta; plus strand). Cytogenetic location: 1p36.22.
Variant type: Microsatellite.
Coding change: c.2864+6_2864+7del on transcript NM_005026.5 (MANE Select); bases 6 to 7 of the intron after coding-DNA position 2864, 2 bases deleted (AG; older notation c.2864+6_2864+7delAG).
Molecular consequence: intron variant.
Genome position (GRCh38, 1-based): chr1:9,724,427-9,724,428, AG deleted; deleting any 2 consecutive bases within chr1:9,724,424-9,724,428 gives the same sequence; the c. name uses the placement nearest the transcript's 3' end. VCF-style (leftmost placement, unchanged base first): chr1-9724423-TGA-T. GRCh37 (hg19) VCF-style: chr1-9784481-TGA-T.
Other names: c.2861+6_2861+7del (NM_001350234.2); c.2777+6_2777+7del (NM_001350235.1).
Identifiers: ClinVar variation 3620151 (VCV003620151.2).

ClinVar aggregate classification (germline): Uncertain significance (1 of 4 stars; one submission).

Conditions:
Immunodeficiency 14 (IMD14A). Also called: IMMUNODEFICIENCY 14A WITH LYMPHOPROLIFERATION, AUTOSOMAL DOMINANT; p110-DELTA-ACTIVATING MUTATION CAUSING SENESCENT T CELLS, LYMPHADENOPATHY, AND IMMUNODEFICIENCY; ACTIVATED PI3K-DELTA SYNDROME 1; Activated PI3K Delta Syndrome Type 1 (APDS1). Identifiers: Orphanet 397596, Orphanet 693661, MedGen C5907821, MONDO:0014222, OMIM 615513.

Submission:

Labcorp Genetics (formerly Invitae), Labcorp
Classification: Uncertain significance for Activated PI3K-delta syndrome. Last evaluated: 2024-07-23. Review status: criteria provided, single submitter. Criteria: Invitae Variant Classification Sherloc (09022015). Collection method: clinical testing. Allele origin: germline.
Comment: This sequence change falls in intron 22 of the PIK3CD gene. It does not directly change the encoded amino acid sequence of the PIK3CD protein. It affects a nucleotide within the consensus splice site. This variant is present in population databases (rs755814236, gnomAD 0.03%). This variant has not been reported in the literature in individuals affected with PIK3CD-related conditions. Variants that disrupt the consensus splice site are a relatively common cause of aberrant splicing (PMID: 17576681, 9536098). Algorithms developed to predict the effect of sequence changes on RNA splicing suggest that this variant is not likely to affect RNA splicing. In summary, the available evidence is currently insufficient to determine the role of this variant in disease. Therefore, it has been classified as a Variant of Uncertain Significance.

Literature cited by the submitters: PubMed 17576681; PubMed 9536098.